The following is an entry in ClinVar:

NM_001384474.1(LOXHD1):c.1576_1579del (p.Leu526fs)

Gene: LOXHD1 (lipoxygenase homology PLAT domains 1; minus strand). Cytogenetic location: 18q21.1.
Variant type: Microsatellite.
Coding change: c.1576_1579del on transcript NM_001384474.1 (MANE Select); coding-DNA positions 1576 to 1579, 4 bases deleted (CTGG; older notation c.1576_1579delCTGG).
Protein change: p.Leu526fs; shifts the reading frame from leucine 526.
Molecular consequence: frameshift variant.
Genome position (GRCh38, 1-based): chr18:46,592,008-46,592,011, CCAG deleted on the plus strand (CTGG on the coding strand, the reverse complement: LOXHD1 is on the minus strand); deleting any 4 consecutive bases within chr18:46,592,008-46,592,016 gives the same sequence; the c. name uses the placement nearest the transcript's 3' end. VCF-style (leftmost placement, unchanged base first): chr18-46592007-TCCAG-T. GRCh37 (hg19) VCF-style: chr18-44171970-TCCAG-T.
Other names: c.1576_1579del, p.Leu526fs (NM_144612.7); short protein forms L526fs.
Identifiers: ClinVar variation 2787782 (VCV002787782.3), dbSNP rs2511924402, ClinGen allele CA2739268726.

ClinVar aggregate classification (germline): Pathogenic (1 of 4 stars; one submission).

Submission:

Labcorp Genetics (formerly Invitae), Labcorp
Classification: Pathogenic. Last evaluated: 2024-09-15. Review status: criteria provided, single submitter. Criteria: Invitae Variant Classification Sherloc (09022015). Collection method: clinical testing. Allele origin: germline.
Comment: This sequence change creates a premature translational stop signal (p.Leu526Metfs*9) in the LOXHD1 gene. It is expected to result in an absent or disrupted protein product. Loss-of-function variants in LOXHD1 are known to be pathogenic (PMID: 19732867, 21465660, 25792669). This variant is not present in population databases (gnomAD no frequency). This variant has not been reported in the literature in individuals affected with LOXHD1-related conditions. For these reasons, this variant has been classified as Pathogenic.

Literature cited by the submitters: PubMed 19732867; PubMed 21465660; PubMed 25792669.